The following is an entry in ClinVar:

NM_000501.4(ELN):c.741del (p.Thr248fs)

Gene: ELN (elastin; plus strand). Cytogenetic location: 7q11.23.
Variant type: Deletion.
Coding change: c.741del on transcript NM_000501.4 (MANE Select); coding-DNA position 741, one base deleted (G; older notation c.741delG).
Protein change: p.Thr248fs; shifts the reading frame from threonine 248.
Molecular consequence: frameshift variant.
Genome position (GRCh38, 1-based): chr7:74,048,197, G deleted; the last of 3 consecutive G bases (chr7:74,048,195-74,048,197); deleting any one gives the same sequence. VCF-style (leftmost placement, unchanged base first): chr7-74048194-AG-A. GRCh37 (hg19) VCF-style: chr7-73462524-AG-A.
Other names: c.711del, p.Thr238fs (NM_001081752.3, NM_001278917.2); c.756del, p.Thr253fs (NM_001081753.3, NM_001081754.3); c.741del, p.Thr248fs (NM_001081755.3, NM_001278912.2, NM_001278915.2 and 1 more transcripts); c.633del, p.Thr212fs (NM_001278913.2); c.726del, p.Thr243fs (NM_001278914.2); c.699del, p.Thr234fs (NM_001278916.2); c.609del, p.Thr204fs (NM_001278918.2); short protein forms T238fs, T243fs, T212fs, T253fs, T234fs, T248fs, T204fs.
Identifiers: ClinVar variation 163386 (VCV000163386.4), dbSNP rs727503026, ClinGen allele CA281470.
Genomic context (GRCh38, chr7:74,048,194, plus strand): 5'-TTTTGCAGGCTATGGGCCCGGAGGAGTGGCTGGTGCAGCGGGCAAGGCTGGTTACCCAAC[AG>A]GGACAGGTAAGGAAAGCCTCACGTCACTTCCAGCCAAGGGAGCACTGATCTTCCAGGCTC-3'

ClinVar aggregate classification (germline): Likely pathogenic (1 of 4 stars; one submission).

Conditions:
Supravalvar aortic stenosis (SVAS). Also called: Supravalvar aortic stenosis, Eisenberg type. Identifiers: Orphanet 3193, MedGen C0003499, MONDO:0008504, OMIM 185500, HP:0004381.

Submission:

Laboratory for Molecular Medicine, Mass General Brigham Personalized Medicine
Classification: Likely pathogenic for Supravalvular aortic stenosis. Last evaluated: 2011-05-27. Review status: criteria provided, single submitter. Criteria: LMM Criteria. Collection method: clinical testing. Allele origin: germline. Observed: 2 variant alleles.
Comment: The Thr248fs variant has not been reported in the literature nor previously been identified by our laboratory. However, it is predicted to cause a frameshift, w hich alters the protein's amino acid sequence beginning at codon 248 and leads t o a premature stop codon 75 amino acids downstream. This alteration is predicted to lead to a truncated or absent protein and therefore to a heterozygous loss o f function of the Elastin (ELN) gene. Loss of function variants in ELN are an es tablished mechanism of disease in SVAS (Human Gene Mutation Database, HGMD). In summary, the Thr248fs variant is likely to be pathogenic.